The following is an entry in ClinVar:

ClinVar aggregate classification (germline): Pathogenic. Review status: criteria provided, multiple submitters, no conflicts (2 of 4 stars). 2 submissions from 2 submitters: Pathogenic (2). Last evaluated 2025-01-28.

Conditions:
Joubert syndrome and related disorders. Identifiers: Orphanet 140874, MedGen C5679612, MONDO:0015369.
Joubert syndrome 8 (JBTS8). Identifiers: Orphanet 475, MedGen C2676771, MONDO:0012855, OMIM 612291.

Allele frequency attached by ClinVar (database versions not stated): TOPMed below 0.00001; gnomAD 0.00001.
gnomAD v4.1: 1 of 1,613,528 alleles (0.000062%); highest among the groups gnomAD compares: Non-Finnish European, 0.000085%; no homozygotes.

Submissions (2):

Women's Health and Genetics/Laboratory Corporation of America, LabCorp
Classification: Pathogenic for Joubert syndrome and related disorders. Last evaluated: 2025-01-28. Review status: criteria provided, single submitter. Criteria: LabCorp Variant Classification Summary - May 2015. Collection method: clinical testing. Allele origin: germline.
Comment: Variant summary: ARL13B c.223G>A (p.Gly75Arg) results in a non-conservative amino acid change located in the small GTP-binding protein domain of the encoded protein sequence. Four of five in-silico tools predict a damaging effect of the variant on protein function. The variant was absent in 251182 control chromosomes. c.223G>A has been reported in the literature in multiple individuals affected with Joubert Syndrome And Related Disorders (Rafiullah_2017). These data indicate that the variant is very likely to be associated with disease. The following publication has been ascertained in the context of this evaluation (PMID: 29255182). ClinVar contains an entry for this variant (Variation ID: 2203408). Based on the evidence outlined above, the variant was classified as pathogenic.

Labcorp Genetics (formerly Invitae), Labcorp
Classification: Pathogenic for Joubert syndrome 8. Last evaluated: 2022-05-25. Review status: criteria provided, single submitter. Criteria: Invitae Variant Classification Sherloc (09022015). Collection method: clinical testing. Allele origin: germline.
Comment: This missense change has been observed in individual(s) with Joubert syndrome (PMID: 29255182). It has also been observed to segregate with disease in related individuals. For these reasons, this variant has been classified as Pathogenic. Experimental studies have shown that this missense change affects ARL13B function (PMID: 29255182). Algorithms developed to predict the effect of missense changes on protein structure and function are either unavailable or do not agree on the potential impact of this missense change (SIFT: "Deleterious"; PolyPhen-2: "Probably Damaging"; Align-GVGD: "Class C0"). This variant is not present in population databases (gnomAD no frequency). This sequence change replaces glycine, which is neutral and non-polar, with arginine, which is basic and polar, at codon 75 of the ARL13B protein (p.Gly75Arg).

Literature cited by the submitters: PubMed 29255182 (cited by Women's Health and Genetics/Laboratory Corporation of America, LabCorp and Labcorp Genetics (formerly Invitae), Labcorp).

NM_001174150.2(ARL13B):c.223G>A (p.Gly75Arg)

Gene: ARL13B (ARF like GTPase 13B; plus strand). Cytogenetic location: 3q11.2.
Variant type: single nucleotide variant.
Coding change: c.223G>A on transcript NM_001174150.2 (MANE Select); coding-DNA position 223, G replaced by A.
Protein change: p.Gly75Arg; replaces glycine 75 with arginine.
Molecular consequence: missense variant. On other transcripts: 5 prime UTR variant (1), intron variant (1).
Genome position (GRCh38, 1-based): chr3:94,003,751, G>A. VCF-style: chr3-94003751-G-A. GRCh37 (hg19) VCF-style: chr3-93722595-G-A.
Other names: c.-87G>A (NM_001174151.2); c.178G>A, p.Gly60Arg (NM_001321328.2); c.223G>A, p.Gly75Arg (NM_001410782.1, NM_182896.3); c.59+23269G>A (NM_144996.4); short protein forms G60R, G75R.
Identifiers: ClinVar variation 2203408 (VCV002203408.6), dbSNP rs1378981995, ClinGen allele CA353675505.